The following is an entry in ClinVar:

NM_002317.7(LOX):c.493G>T (p.Gly165Cys)

Genes: LOX (lysyl oxidase; minus strand), SRFBP1 (serum response factor binding protein 1; plus strand). Cytogenetic location: 5q23.1.
Variant type: single nucleotide variant.
Coding change: c.493G>T on transcript NM_002317.7 (MANE Select); coding-DNA position 493, G replaced by T.
Protein change: p.Gly165Cys; replaces glycine 165 with cysteine.
Molecular consequence: missense variant.
Genome position (GRCh38, 1-based): chr5:122,077,493, C>A on the plus strand (G>T on the coding strand, the complement: LOX is on the minus strand). VCF-style: chr5-122077493-C-A. GRCh37 (hg19) VCF-style: chr5-121413188-C-A.
Other names: short protein forms G165C.
Identifiers: ClinVar variation 1493437 (VCV001493437.6), dbSNP rs749364042, ClinGen allele CA360875934.

ClinVar aggregate classification (germline): Uncertain significance (1 of 4 stars; one submission).

gnomAD v4.1: 2 of 1,613,902 alleles (0.00012%); highest among the groups gnomAD compares: Non-Finnish European, 0.00017%; no homozygotes.

Submission:

Labcorp Genetics (formerly Invitae), Labcorp
Classification: Uncertain significance. Last evaluated: 2021-11-12. Review status: criteria provided, single submitter. Criteria: Invitae Variant Classification Sherloc (09022015). Collection method: clinical testing. Allele origin: germline.
Comment: This sequence change replaces glycine, which is neutral and non-polar, with cysteine, which is neutral and slightly polar, at codon 165 of the LOX protein (p.Gly165Cys). This variant is not present in population databases (gnomAD no frequency). This variant has not been reported in the literature in individuals affected with LOX-related conditions. In summary, the available evidence is currently insufficient to determine the role of this variant in disease. Therefore, it has been classified as a Variant of Uncertain Significance. Algorithms developed to predict the effect of missense changes on protein structure and function are either unavailable or do not agree on the potential impact of this missense change (SIFT: "Not Available"; PolyPhen-2: "Possibly Damaging"; Align-GVGD: "Not Available").